The following is an entry in ClinVar:

NM_014588.6(VSX1):c.340C>G (p.Pro114Ala)

Gene: VSX1 (visual system homeobox 1; minus strand). Cytogenetic location: 20p11.21.
Variant type: single nucleotide variant.
Coding change: c.340C>G on transcript NM_014588.6 (MANE Select); coding-DNA position 340, C replaced by G.
Protein change: p.Pro114Ala; replaces proline 114 with alanine.
Molecular consequence: missense variant. On other transcripts: non-coding transcript variant (2).
Genome position (GRCh38, 1-based): chr20:25,081,757, G>C on the plus strand (C>G on the coding strand, the complement: VSX1 is on the minus strand). VCF-style: chr20-25081757-G-C. GRCh37 (hg19) VCF-style: chr20-25062393-G-C.
Other names: c.340C>G, p.Pro114Ala (NM_001256271.2, NM_001256272.2, NM_199425.3); short protein forms P114A.
Identifiers: ClinVar variation 2362595 (VCV002362595.5), dbSNP rs998867232, ClinGen allele CA313664407.

ClinVar aggregate classification (germline): Uncertain significance. Review status: criteria provided, multiple submitters, no conflicts (2 of 4 stars). 2 submissions from 2 submitters: Uncertain significance (2). Last evaluated 2023-10-23.

Conditions:
Inborn genetic diseases. Identifiers: MedGen C0950123, MeSH D030342.

Allele frequency attached by ClinVar (database versions not stated): gnomAD 0.00003; gnomAD exomes 0.00005; TOPMed 0.00005.
gnomAD v4.1: 77 of 1,499,570 alleles (0.0051%); highest among the groups gnomAD compares: Non-Finnish European, 0.0067%; no homozygotes.

Submissions (2):

Labcorp Genetics (formerly Invitae), Labcorp
Classification: Uncertain significance. Last evaluated: 2023-10-23. Review status: criteria provided, single submitter. Criteria: Invitae Variant Classification Sherloc (09022015). Collection method: clinical testing. Allele origin: germline.
Comment: This sequence change replaces proline, which is neutral and non-polar, with alanine, which is neutral and non-polar, at codon 114 of the VSX1 protein (p.Pro114Ala). This variant is present in population databases (no rsID available, gnomAD 0.01%). This variant has not been reported in the literature in individuals affected with VSX1-related conditions. ClinVar contains an entry for this variant (Variation ID: 2362595). Advanced modeling of protein sequence and biophysical properties (such as structural, functional, and spatial information, amino acid conservation, physicochemical variation, residue mobility, and thermodynamic stability) performed at Invitae indicates that this missense variant is not expected to disrupt VSX1 protein function with a negative predictive value of 80%. In summary, the available evidence is currently insufficient to determine the role of this variant in disease. Therefore, it has been classified as a Variant of Uncertain Significance.

Ambry Genetics
Classification: Uncertain significance for Inborn genetic diseases. Last evaluated: 2022-11-08. Review status: criteria provided, single submitter. Criteria: Ambry Variant Classification Scheme 2023. Collection method: clinical testing. Allele origin: germline.